The following is an entry in ClinVar:

ClinVar aggregate classification (germline): Uncertain significance (1 of 4 stars; one submission).

Conditions:
Primary ciliary dyskinesia. Also called: Ciliary dyskinesia. Identifiers: Orphanet 244, MedGen C0008780, MONDO:0016575, HP:0012265.

Submission:

Labcorp Genetics (formerly Invitae), Labcorp
Classification: Uncertain significance for Primary ciliary dyskinesia. Last evaluated: 2019-06-15. Review status: criteria provided, single submitter. Criteria: Invitae Variant Classification Sherloc (09022015). Collection method: clinical testing. Allele origin: germline.
Comment: This variant results in a copy number gain of the genomic region encompassing exon 19 of the RPGR gene. The 5' boundary is likely confined to intron 18. The 3' end of this event is unknown as it extends beyond the assayed region for this gene and therefore may encompass additional genes. As the precise location of this event is unknown, it may be in tandem or it may be located elsewhere in the genome. This variant has not been reported in the literature in individuals with RPGR-related conditions. In summary, the available evidence is currently insufficient to determine the role of this variant in disease. Therefore, it has been classified as a Variant of Uncertain Significance.

NC_000023.11:g.(?_38269606)_(38269852_?)dup

Gene: RPGR (retinitis pigmentosa GTPase regulator; minus strand). Cytogenetic location: Xp11.4.
Variant type: Duplication.
Identifiers: ClinVar variation 832838 (VCV000832838.14).